The following is an entry in ClinVar:

ClinVar aggregate classification (germline): Uncertain significance. Review status: criteria provided, multiple submitters, no conflicts (2 of 4 stars). 2 submissions from 2 submitters: Uncertain significance (2). Last evaluated 2025-06-07.

Conditions:
Inborn genetic diseases. Identifiers: MedGen C0950123, MeSH D030342.

Allele frequency attached by ClinVar (database versions not stated): gnomAD exomes below 0.00001 and 0.00001; TOPMed 0.00001.
gnomAD v4.1: 4 of 1,613,784 alleles (0.00025%); highest among the groups gnomAD compares: Non-Finnish European, 0.00034%; no homozygotes.

Submissions (2):

Ambry Genetics
Classification: Uncertain significance for Inborn genetic diseases. Last evaluated: 2025-06-07. Review status: criteria provided, single submitter. Criteria: Ambry Variant Classification Scheme 2023. Collection method: clinical testing. Allele origin: germline.

Labcorp Genetics (formerly Invitae), Labcorp
Classification: Uncertain significance. Last evaluated: 2024-06-12. Review status: criteria provided, single submitter. Criteria: Invitae Variant Classification Sherloc (09022015). Collection method: clinical testing. Allele origin: germline.
Comment: This sequence change replaces asparagine, which is neutral and polar, with histidine, which is basic and polar, at codon 260 of the CPOX protein (p.Asn260His). This variant is present in population databases (no rsID available, gnomAD 0.0009%). This variant has not been reported in the literature in individuals affected with CPOX-related conditions. ClinVar contains an entry for this variant (Variation ID: 660177). Advanced modeling of protein sequence and biophysical properties (such as structural, functional, and spatial information, amino acid conservation, physicochemical variation, residue mobility, and thermodynamic stability) performed at Invitae indicates that this missense variant is expected to disrupt CPOX protein function with a positive predictive value of 80%. In summary, the available evidence is currently insufficient to determine the role of this variant in disease. Therefore, it has been classified as a Variant of Uncertain Significance.

NM_000097.7(CPOX):c.778A>C (p.Asn260His)

Gene: CPOX (coproporphyrinogen oxidase; minus strand). Cytogenetic location: 3q11.2.
Variant type: single nucleotide variant.
Coding change: c.778A>C on transcript NM_000097.7 (MANE Select); coding-DNA position 778, A replaced by C.
Protein change: p.Asn260His; replaces asparagine 260 with histidine.
Molecular consequence: missense variant.
Genome position (GRCh38, 1-based): chr3:98,590,665, T>G on the plus strand (A>C on the coding strand, the complement: CPOX is on the minus strand). VCF-style: chr3-98590665-T-G. GRCh37 (hg19) VCF-style: chr3-98309509-T-G.
Other names: c.778A>C, p.Asn260His (LRG_1077t1); short protein forms N260H.
Identifiers: ClinVar variation 660177 (VCV000660177.6), dbSNP rs1227408883, ClinGen allele CA353645708.